The following is an entry in ClinVar:

ClinVar aggregate classification (germline): Likely benign. Review status: criteria provided, single submitter (1 of 4 stars). 2 submissions from 2 submitters: Likely benign (1). 1 of the submissions does not count toward it. Last evaluated 2022-12-01.

Conditions:
RECQL5-related disorder. Also called: RECQL5-related condition.

Allele frequency attached by ClinVar (database versions not stated): ESP Exome Variant Server 0.00008; TOPMed 0.00009; gnomAD 0.00011; gnomAD exomes 0.00020; 1000 Genomes Project 0.00040; 1000 Genomes Project 30x 0.00047; ExAC 0.00047.
gnomAD v4.1: 311 of 1,613,998 alleles (0.019%); highest among the groups gnomAD compares: South Asian, 0.29%; 4 homozygotes.

Submissions (2):

CeGaT Center for Human Genetics Tuebingen
Classification: Likely benign. Last evaluated: 2022-12-01. Review status: criteria provided, single submitter. Criteria: CeGaT Center For Human Genetics Tuebingen Variant Classification Criteria Version 2. Collection method: clinical testing. Allele origin: germline. Affected: yes. Observed: 1 variant allele.
Comment: RECQL5: BP4

PreventionGenetics, part of Exact Sciences
Classification: Likely benign for RECQL5-related condition. Last evaluated: 2022-03-21. Review status: no assertion criteria provided. Collection method: clinical testing. Allele origin: germline. Not counted in ClinVar's aggregate classification.
Comment: This variant is classified as likely benign based on ACMG/AMP sequence variant interpretation guidelines (Richards et al. 2015 PMID: 25741868, with internal and published modifications).

NM_004259.7(RECQL5):c.2638G>A (p.Val880Ile)

Gene: RECQL5 (RecQ like helicase 5; minus strand). Cytogenetic location: 17q25.1.
Variant type: single nucleotide variant.
Coding change: c.2638G>A on transcript NM_004259.7 (MANE Select); coding-DNA position 2638, G replaced by A.
Protein change: p.Val880Ile; replaces valine 880 with isoleucine.
Molecular consequence: missense variant.
Genome position (GRCh38, 1-based): chr17:75,628,385, C>T on the plus strand (G>A on the coding strand, the complement: RECQL5 is on the minus strand). VCF-style: chr17-75628385-C-T. GRCh37 (hg19) VCF-style: chr17-73624465-C-T.
Other names: c.2638G>A (NM_004259.6); short protein forms V880I.
Identifiers: ClinVar variation 2648275 (VCV002648275.25), dbSNP rs367937094, ClinGen allele CA8766968.